The following is an entry in ClinVar:

ClinVar aggregate classification (germline): Uncertain significance (1 of 4 stars; one submission).

Conditions:
Martsolf syndrome (MARTS). Also called: Congenital cataract with intellectual disability and hypogonadotropic hypogonadism syndrome. Identifiers: Orphanet 1387, MedGen C0796037, MONDO:0023910.
Warburg micro syndrome 2 (WARBM2). Also called: MICRO SYNDROME 2. Identifiers: Orphanet 2510, MedGen C3280214, MONDO:0013641, OMIM 614225.

Allele frequency attached by ClinVar (database versions not stated): gnomAD exomes below 0.00001; ExAC 0.00001.
gnomAD v4.1: 5 of 1,614,040 alleles (0.00031%); highest among the groups gnomAD compares: Admixed American, 0.0033%; no homozygotes.

Submission:

Labcorp Genetics (formerly Invitae), Labcorp
Classification: Uncertain significance for Martsolf syndrome; Warburg micro syndrome 2. Last evaluated: 2022-04-20. Review status: criteria provided, single submitter. Criteria: Invitae Variant Classification Sherloc (09022015). Collection method: clinical testing. Allele origin: germline.
Comment: This sequence change replaces alanine, which is neutral and non-polar, with serine, which is neutral and polar, at codon 542 of the RAB3GAP2 protein (p.Ala542Ser). This variant is present in population databases (rs765340567, gnomAD 0.003%). This variant has not been reported in the literature in individuals affected with RAB3GAP2-related conditions. Algorithms developed to predict the effect of missense changes on protein structure and function are either unavailable or do not agree on the potential impact of this missense change (SIFT: "Deleterious"; PolyPhen-2: "Benign"; Align-GVGD: "Class C0"). In summary, the available evidence is currently insufficient to determine the role of this variant in disease. Therefore, it has been classified as a Variant of Uncertain Significance.

NM_012414.4(RAB3GAP2):c.1624G>T (p.Ala542Ser)

Gene: RAB3GAP2 (RAB3 GTPase activating non-catalytic protein subunit 2; minus strand). Cytogenetic location: 1q41.
Variant type: single nucleotide variant.
Coding change: c.1624G>T on transcript NM_012414.4 (MANE Select); coding-DNA position 1624, G replaced by T.
Protein change: p.Ala542Ser; replaces alanine 542 with serine.
Molecular consequence: missense variant.
Genome position (GRCh38, 1-based): chr1:220,190,384, C>A on the plus strand (G>T on the coding strand, the complement: RAB3GAP2 is on the minus strand). VCF-style: chr1-220190384-C-A. GRCh37 (hg19) VCF-style: chr1-220363726-C-A.
Other names: short protein forms A542S.
Identifiers: ClinVar variation 2065502 (VCV002065502.4), dbSNP rs765340567, ClinGen allele CA1402663.